The following is an entry in ClinVar:

ClinVar aggregate classification (germline): Uncertain significance. Review status: criteria provided, multiple submitters, no conflicts (2 of 4 stars). 2 submissions from 2 submitters: Uncertain significance (2). Last evaluated 2026-06-04.

Conditions:
Inborn genetic diseases. Identifiers: MedGen C0950123, MeSH D030342.

Allele frequency attached by ClinVar (database versions not stated): gnomAD exomes below 0.00001.
gnomAD v4.1: 1 of 1,614,160 alleles (0.000062%); highest among the groups gnomAD compares: Non-Finnish European, 0.000085%; no homozygotes.

Submissions (2):

Ambry Genetics
Classification: Uncertain significance for Inborn genetic diseases. Last evaluated: 2026-06-04. Review status: criteria provided, single submitter. Criteria: Ambry Variant Classification Scheme 2023. Collection method: clinical testing. Allele origin: germline.

Labcorp Genetics (formerly Invitae), Labcorp
Classification: Uncertain significance. Last evaluated: 2023-09-27. Review status: criteria provided, single submitter. Criteria: Invitae Variant Classification Sherloc (09022015). Collection method: clinical testing. Allele origin: germline.
Comment: In summary, the available evidence is currently insufficient to determine the role of this variant in disease. Therefore, it has been classified as a Variant of Uncertain Significance. An algorithm developed to predict the effect of missense changes on protein structure and function (PolyPhen-2) suggests that this variant is likely to be tolerated. This variant has not been reported in the literature in individuals affected with PPP2R5D-related conditions. This variant is not present in population databases (gnomAD no frequency). This sequence change replaces valine, which is neutral and non-polar, with alanine, which is neutral and non-polar, at codon 132 of the PPP2R5D protein (p.Val132Ala).

NM_006245.4(PPP2R5D):c.395T>C (p.Val132Ala)

Gene: PPP2R5D (protein phosphatase 2 regulatory subunit B'delta; plus strand). Cytogenetic location: 6p21.1.
Variant type: single nucleotide variant.
Coding change: c.395T>C on transcript NM_006245.4 (MANE Select); coding-DNA position 395, T replaced by C.
Protein change: p.Val132Ala; replaces valine 132 with alanine.
Molecular consequence: missense variant. On other transcripts: 5 prime UTR variant (1).
Genome position (GRCh38, 1-based): chr6:43,006,983, T>C. VCF-style: chr6-43006983-T-C. GRCh37 (hg19) VCF-style: chr6-42974721-T-C.
Other names: c.-59T>C (NM_001270476.2); c.299T>C, p.Val100Ala (NM_180976.3); c.77T>C, p.Val26Ala (NM_180977.3); c.395T>C (NM_006245.2); short protein forms V26A, V132A, V100A.
Identifiers: ClinVar variation 2913739 (VCV002913739.4), dbSNP rs2532473919, ClinGen allele CA364182698.